The following is an entry in ClinVar:

NM_001369.3(DNAH5):c.1121T>C (p.Ile374Thr)

Gene: DNAH5 (dynein axonemal heavy chain 5; minus strand). Cytogenetic location: 5p15.2.
Variant type: single nucleotide variant.
Coding change: c.1121T>C on transcript NM_001369.3 (MANE Select); coding-DNA position 1121, T replaced by C.
Protein change: p.Ile374Thr; replaces isoleucine 374 with threonine.
Molecular consequence: missense variant.
Genome position (GRCh38, 1-based): chr5:13,916,424, A>G on the plus strand (T>C on the coding strand, the complement: DNAH5 is on the minus strand). VCF-style: chr5-13916424-A-G. GRCh37 (hg19) VCF-style: chr5-13916533-A-G.
Other names: short protein forms I374T.
Identifiers: ClinVar variation 39651 (VCV000039651.33), dbSNP rs147499872, ClinGen allele CA261198.

ClinVar aggregate classification (germline): Conflicting classifications of pathogenicity. Review status: criteria provided, conflicting classifications (1 of 4 stars). 16 submissions from 16 submitters: Uncertain significance (9); Likely benign (2). 5 of the submissions do not count toward it. Last evaluated 2026-01-20.

Conditions:
DNAH5-related disorder. Also called: DNAH5-related condition.
Primary ciliary dyskinesia. Also called: Ciliary dyskinesia. Identifiers: Orphanet 244, MedGen C0008780, MONDO:0016575, HP:0012265.
Primary ciliary dyskinesia 3. Identifiers: Orphanet 244, MedGen C1837618, MONDO:0012085, OMIM 608644.

Allele frequency attached by ClinVar (database versions not stated): gnomAD 0.00059 and 0.00060; 1000 Genomes Project 0.00060; 1000 Genomes Project 30x 0.00062; TOPMed 0.00064; ExAC 0.00069; gnomAD exomes 0.00075; ESP Exome Variant Server 0.00131.
gnomAD v4.1: 1,928 of 1,558,784 alleles (0.12%); highest among the groups gnomAD compares: Non-Finnish European, 0.16%; 5 homozygotes.

Submissions (16):

Labcorp Genetics (formerly Invitae), Labcorp
Classification: Likely benign for Primary ciliary dyskinesia. Last evaluated: 2026-01-20. Review status: criteria provided, single submitter. Criteria: Invitae Variant Classification Sherloc (09022015). Collection method: clinical testing. Allele origin: germline.

Ambry Genetics
Classification: Likely benign for Primary ciliary dyskinesia. Last evaluated: 2025-12-11. Review status: criteria provided, single submitter. Criteria: Ambry Variant Classification Scheme 2023. Collection method: clinical testing. Allele origin: germline.

Victorian Clinical Genetics Services, Murdoch Childrens Research Institute
Classification: Uncertain significance for Primary ciliary dyskinesia 3. Last evaluated: 2025-07-31. Review status: criteria provided, single submitter. Criteria: ACMG Guidelines, 2015. Collection method: clinical testing. Allele origin: germline. Affected: no.
Comment: This variant is classified as VUS-3B. Evidence in support of pathogenic classification: Variant is present in gnomAD <0.01 for a recessive condition (v4: 1918 heterozygote(s), 5 homozygote(s)) . Additional information: Variant is predicted to result in a missense amino acid change from Ile to Thr; This variant is heterozygous; This gene is associated with autosomal recessive disease; Alternative amino acid change(s) at the same position are present in gnomAD (highest allele count: v4: 5 heterozygote(s), 0 homozygote(s)); Previous evidence of pathogenicity for this variant is inconclusive. It has been classified a variant of uncertain significance and once as likely benign by clinical laboratories (ClinVar). In addition, it has been reported in a compound heterozygous child affected with primary ciliary dyskinesia with situs inversus (PMID: 23261302); No published functional evidence has been identified for this variant; No comparable missense variants have previous evidence for pathogenicity; Variant is located in the annotated N-terminal region 1 dynein heavy chain domain (DECIPHER); Missense variant with inconclusive in silico prediction and uninformative conservation; Loss of function is a known mechanism of disease in this gene and is associated with primary ciliary dyskinesia 3, with or without situs inversus (MIM#608644).

PreventionGenetics, part of Exact Sciences
Classification: Uncertain significance for DNAH5-related condition. Last evaluated: 2025-05-28. Review status: criteria provided, single submitter. Criteria: ACMG Guidelines, 2015. Collection method: clinical testing. Allele origin: germline.
Comment: The DNAH5 c.1121T>C variant is predicted to result in the amino acid substitution p.Ile374Thr. This variant has been reported in the compound heterozygous state in an individual with primary ciliary dyskinesia (Knowles et al 2013. PubMed ID: 23261302). This variant is reported in 0.12% of alleles in individuals of European (Non-Finnish) descent in gnomAD. At this time, the clinical significance of this variant is uncertain due to the absence of conclusive functional and genetic evidence.

ARUP Laboratories, Molecular Genetics and Genomics, ARUP Laboratories
Classification: Uncertain significance for Primary ciliary dyskinesia 3. Last evaluated: 2025-05-06. Review status: criteria provided, single submitter. Criteria: ARUP Molecular Germline Variant Investigation Process 2024. Collection method: clinical testing. Allele origin: germline.
Comment: The DNAH5 c.1121T>C; p.Ile374Thr variant (rs147499872, ClinVar Variation ID: 39651) is reported in the literature in an individual affected with primary ciliary dyskinesia and situs inversus (Knowles 2013). This variant is found in the non-Finnish European population with an allele frequency of 0.123% (158/128,500 alleles) in the Genome Aggregation Database (v2.1.1). Computational analyses are uncertain whether this variant is neutral or deleterious (REVEL: 0.357). Due to limited information, the clinical significance of the p.Ile374Thr variant is uncertain at this time. REFERENCES: Knowles MR et al. Exome sequencing identifies mutations in CCDC114 as a cause of primary ciliary dyskinesia. Am J Hum Genet. 2013 Jan 10;92(1):99-106. PMID: 23261302.

Blueprint Genetics
Classification: Uncertain significance. Last evaluated: 2024-09-17. Review status: criteria provided, single submitter. Criteria: ACMG Guidelines, 2015. Collection method: clinical testing. Allele origin: germline.

Fulgent Genetics
Classification: Uncertain significance for Primary ciliary dyskinesia 3. Last evaluated: 2022-04-11. Review status: criteria provided, single submitter. Criteria: ACMG Guidelines, 2015. Collection method: clinical testing. Allele origin: unknown.

Genetics and Molecular Pathology, SA Pathology
Classification: Uncertain significance for Primary ciliary dyskinesia 3. Last evaluated: 2021-07-15. Review status: criteria provided, single submitter. Criteria: ACMG Guidelines, 2015. Collection method: clinical testing. Allele origin: germline. Inheritance: Autosomal recessive inheritance. Affected: yes.

UNC Molecular Genetics  Laboratory, University of North Carolina at Chapel Hill
Classification: Uncertain significance for Primary ciliary dyskinesia. Last evaluated: 2019-04-18. Review status: criteria provided, single submitter. Criteria: ACMG Guidelines, 2015. Collection method: clinical testing. Allele origin: germline. Affected: no. Observed: 1 heterozygote.

Illumina Laboratory Services, Illumina
Classification: Uncertain significance for Primary ciliary dyskinesia 3. Last evaluated: 2018-01-13. Review status: criteria provided, single submitter. Criteria: ICSL Variant Classification Criteria 13 December 2019. Collection method: clinical testing. Allele origin: germline.

GeneDx
Classification: Uncertain significance. Last evaluated: 2017-06-29. Review status: criteria provided, single submitter. Criteria: GeneDx Variant Classification (06012015). Collection method: clinical testing. Allele origin: germline. Affected: yes.
Comment: The I374T variant in the DNAH5 gene has been reported previously in trans with another DNAH5 variant in an individual with primary ciliary dyskinesia (Knowles et al., 2013). The I374T variant is observed in 63/65,796 (0.096%) alleles from individuals of European (non-Finnish) background in the ExAC dataset (Lek et al., 2016). The I374T variant is a non-conservative amino acid substitution, which is likely to impact secondary protein structure as these residues differ in polarity, charge, size and/or other properties. This substitution occurs at a position where amino acids with similar properties to Isoleucine are tolerated across species. In silico analysis predicts this variant is probably damaging to the protein structure/function. We interpret I374T as a variant of uncertain significance.

Natera, Inc.
Classification: Uncertain significance for Primary ciliary dyskinesia. Last evaluated: 2020-01-10. Review status: no assertion criteria provided. Collection method: clinical testing. Allele origin: germline. Not counted in ClinVar's aggregate classification.

Counsyl
Classification: Uncertain significance for Primary ciliary dyskinesia 3. Last evaluated: 2017-09-22. Review status: no assertion criteria provided. Collection method: clinical testing. Allele origin: unknown. Not counted in ClinVar's aggregate classification.

OMIM
Classification: Pathogenic for CILIARY DYSKINESIA, PRIMARY, 3. Last evaluated: 2013-01-10. Review status: no assertion criteria provided. Collection method: literature only. Allele origin: germline. Not counted in ClinVar's aggregate classification.

Clinical Genetics DNA and cytogenetics Diagnostics Lab, Erasmus MC, Erasmus Medical Center
Classification: Uncertain significance. Review status: no assertion criteria provided. Collection method: clinical testing. Allele origin: germline. Affected: yes. Study: VKGL Data-share Consensus. Not counted in ClinVar's aggregate classification.

Diagnostic Laboratory, Department of Genetics, University Medical Center Groningen
Classification: Uncertain significance. Review status: no assertion criteria provided. Collection method: clinical testing. Allele origin: germline. Affected: yes. Study: VKGL Data-share Consensus. Not counted in ClinVar's aggregate classification.

Literature cited by the submitters: PubMed 23261302 (cited by 4 submitters).